The following is an entry in ClinVar:

NM_000059.4(BRCA2):c.7299A>G (p.Gln2433=)

Gene: BRCA2 (BRCA2 DNA repair associated; plus strand). Cytogenetic location: 13q13.1.
Variant type: single nucleotide variant.
Coding change: c.7299A>G on transcript NM_000059.4 (MANE Select); coding-DNA position 7299, A replaced by G.
Protein change: p.Gln2433=; no amino-acid change (glutamine 2433 retained).
Molecular consequence: synonymous variant.
Genome position (GRCh38, 1-based): chr13:32,355,152, A>G. VCF-style: chr13-32355152-A-G. GRCh37 (hg19) VCF-style: chr13-32929289-A-G.
Identifiers: ClinVar variation 186758 (VCV000186758.22), dbSNP rs749310833, ClinGen allele CA025016.

ClinVar aggregate classification (germline): Likely benign. Review status: reviewed by expert panel (3 of 4 stars). 7 submissions from 7 submitters: Likely benign (1). 6 of the submissions do not count toward it. Last evaluated 2017-06-29.

Conditions:
Hereditary breast ovarian cancer syndrome. Also called: Hereditary breast and ovarian cancer; Hereditary breast and ovarian cancer syndrome; Breast and ovarian cancer; Hereditary breast and ovarian cancer syndrome (HBOC); Hereditary breast and/or ovarian cancer syndrome; BRCA1- and BRCA2-Associated Hereditary Breast and Ovarian Cancer. Identifiers: Orphanet 145, MedGen C0677776, MeSH D061325, MONDO:0003582. Disease mechanism: loss of function.
Hereditary cancer-predisposing syndrome. Also called: Hereditary Cancer Syndrome; Neoplastic Syndromes, Hereditary; Tumor predisposition; Hereditary neoplastic syndrome. Identifiers: Orphanet 140162, MedGen C0027672, MeSH D009386, MONDO:0015356.
Breast-ovarian cancer, familial, susceptibility to, 2 (BROVCA2). Also called: BRCA2 Hereditary Breast and Ovarian Cancer. Identifiers: Orphanet 145, MedGen C2675520, MONDO:0012933, OMIM 612555. Disease mechanism: loss of function.

Allele frequency attached by ClinVar (database versions not stated): TOPMed 0.00002; gnomAD exomes below 0.00001 and 0.00001; ExAC 0.00001; gnomAD 0.00001.
gnomAD v4.1: 6 of 1,613,862 alleles (0.00037%); highest among the groups gnomAD compares: East Asian, 0.0067%; no homozygotes.

Submissions (7):

Evidence-based Network for the Interpretation of Germline Mutant Alleles (ENIGMA)
Classification: Likely benign for Breast-ovarian cancer, familial, susceptibility to, 2. Last evaluated: 2017-06-29. Review status: reviewed by expert panel. Criteria: ENIGMA BRCA1/2 Classification Criteria (2017-06-29). Collection method: curation. Allele origin: germline.
Comment: Synonymous substitution variant, with low bioinformatic likelihood to result in a splicing aberration (Splicing prior probability 0.02).

Labcorp Genetics (formerly Invitae), Labcorp
Classification: Likely benign for Hereditary breast ovarian cancer syndrome. Last evaluated: 2025-10-01. Review status: criteria provided, single submitter. Criteria: Invitae Variant Classification Sherloc (09022015). Collection method: clinical testing. Allele origin: germline. Not counted in ClinVar's aggregate classification.

Women's Health and Genetics/Laboratory Corporation of America, LabCorp
Classification: Likely benign. Last evaluated: 2025-05-14. Review status: criteria provided, single submitter. Criteria: LabCorp Variant Classification Summary - May 2015. Collection method: clinical testing. Allele origin: germline. Not counted in ClinVar's aggregate classification.

All of Us Research Program, National Institutes of Health
Classification: Likely benign for Breast-ovarian cancer, familial, susceptibility to, 2. Last evaluated: 2023-05-31. Review status: criteria provided, single submitter. Criteria: ACMG Guidelines, 2015. Collection method: clinical testing. Allele origin: germline. Inheritance: Autosomal dominant inheritance. Observed: 2 variant alleles, 2 heterozygotes. Not counted in ClinVar's aggregate classification.
Comment: This study involves interpretation of variants in research participants for the purpose of population health screening. Participant phenotype was not available at the time of variant classification. Additional details can be found in publication PMID: 35346344, PMCID: PMC8962531

Quest Diagnostics Nichols Institute San Juan Capistrano
Classification: Likely benign. Last evaluated: 2020-02-17. Review status: criteria provided, single submitter. Criteria: Quest Diagnostics criteria. Collection method: clinical testing. Allele origin: unknown. Not counted in ClinVar's aggregate classification.

Color Diagnostics, LLC DBA Color Health
Classification: Likely benign for Hereditary cancer-predisposing syndrome. Last evaluated: 2019-10-29. Review status: criteria provided, single submitter. Criteria: ACMG Guidelines, 2015. Collection method: clinical testing. Allele origin: germline. Not counted in ClinVar's aggregate classification.

Ambry Genetics
Classification: Likely benign for Hereditary cancer-predisposing syndrome. Last evaluated: 2014-11-13. Review status: criteria provided, single submitter. Criteria: Ambry Variant Classification Scheme 2023. Collection method: clinical testing. Allele origin: germline. Not counted in ClinVar's aggregate classification.